The following is an entry in ClinVar:

NM_144686.4(TMC4):c.2112G>A (p.Pro704=)

Gene: TMC4 (transmembrane channel like 4; minus strand). Cytogenetic location: 19q13.42.
Variant type: single nucleotide variant.
Coding change: c.2112G>A on transcript NM_144686.4 (MANE Select); coding-DNA position 2112, G replaced by A.
Protein change: p.Pro704=; no amino-acid change (proline 704 retained).
Molecular consequence: synonymous variant.
Genome position (GRCh38, 1-based): chr19:54,160,315, C>T on the plus strand (G>A on the coding strand, the complement: TMC4 is on the minus strand). VCF-style: chr19-54160315-C-T. GRCh37 (hg19) VCF-style: chr19-54664052-C-T.
Other names: c.2130G>A, p.Pro710= (NM_001145303.3).
Identifiers: ClinVar variation 3032542 (VCV003032542.2), dbSNP rs373451202, ClinGen allele CA309342752.

ClinVar aggregate classification (germline): Likely benign (0 of 4 stars; one submission).

Conditions:
TMC4-related disorder. Also called: TMC4-related condition.

Allele frequency attached by ClinVar (database versions not stated): TOPMed below 0.00001; ExAC 0.00001; gnomAD 0.00001.

Submission:

PreventionGenetics, part of Exact Sciences
Classification: Likely benign for TMC4-related condition. Last evaluated: 2023-12-08. Review status: no assertion criteria provided. Collection method: clinical testing. Allele origin: germline.
Comment: This variant is classified as likely benign based on ACMG/AMP sequence variant interpretation guidelines (Richards et al. 2015 PMID: 25741868, with internal and published modifications).